The following is an entry in ClinVar:

NM_015087.5(SPART):c.776A>G (p.Asp259Gly)

Gene: SPART (spartin; minus strand). Cytogenetic location: 13q13.3.
Variant type: single nucleotide variant.
Coding change: c.776A>G on transcript NM_015087.5 (MANE Select); coding-DNA position 776, A replaced by G.
Protein change: p.Asp259Gly; replaces aspartic acid 259 with glycine.
Molecular consequence: missense variant.
Genome position (GRCh38, 1-based): chr13:36,335,055, T>C on the plus strand (A>G on the coding strand, the complement: SPART is on the minus strand). VCF-style: chr13-36335055-T-C. GRCh37 (hg19) VCF-style: chr13-36909192-T-C.
Other names: c.776A>G, p.Asp259Gly (NM_001142294.2, NM_001142295.2, NM_001142296.2); short protein forms D259G.
Identifiers: ClinVar variation 641097 (VCV000641097.6), dbSNP rs1293303559, ClinGen allele CA387862287.
Genomic context (GRCh38, chr13:36,335,055, plus strand): 5'-TATGCTTTCATTTTTCTTTCGCTTACCTGAAGAAACCCGGGAGGACGGTTTAGAACCGTA[T>C]CGAGAGAATTATCCAAAAACCTCACAATTCGAAGGTACCCAGGATACGAAGGTGCACTAA-3'
Protein context (NP_055902.1, residues 249-269): RIVRFLDNSL[Asp259Gly]TVLNRPPGFL

ClinVar aggregate classification (germline): Uncertain significance (1 of 4 stars; one submission).

Allele frequency attached by ClinVar (database versions not stated): gnomAD exomes below 0.00001; TOPMed 0.00001.
gnomAD v4.1: 15 of 1,614,134 alleles (0.00093%); highest among the groups gnomAD compares: Non-Finnish European, 0.0013%; no homozygotes.

Submission:

Labcorp Genetics (formerly Invitae), Labcorp
Classification: Uncertain significance. Last evaluated: 2021-08-31. Review status: criteria provided, single submitter. Criteria: Invitae Variant Classification Sherloc (09022015). Collection method: clinical testing. Allele origin: germline.
Comment: This sequence change replaces aspartic acid with glycine at codon 259 of the SPART protein (p.Asp259Gly). The aspartic acid residue is moderately conserved and there is a moderate physicochemical difference between aspartic acid and glycine. This variant is not present in population databases (ExAC no frequency). This variant has not been reported in the literature in individuals affected with SPART-related conditions. Algorithms developed to predict the effect of missense changes on protein structure and function (SIFT, PolyPhen-2, Align-GVGD) all suggest that this variant is likely to be tolerated. Algorithms developed to predict the effect of sequence changes on RNA splicing suggest that this variant may create or strengthen a splice site. In summary, the available evidence is currently insufficient to determine the role of this variant in disease. Therefore, it has been classified as a Variant of Uncertain Significance.